The following is an entry in ClinVar:

NC_000019.10:g.(?_47801775)_(47886257_?)del

Genes: CRX (cone-rod homeobox; plus strand), TPRX1 (tetrapeptide repeat homeobox 1; minus strand), SULT2A1 (sulfotransferase family 2A member 1; minus strand). Cytogenetic location: 19q13.33.
Variant type: Deletion.
Identifiers: ClinVar variation 830780 (VCV000830780.1).

ClinVar aggregate classification (germline): Uncertain significance (1 of 4 stars; one submission).

Conditions:
Leber congenital amaurosis 7 (LCA7). Identifiers: Orphanet 65, MedGen C3151192, MONDO:0013449, OMIM 613829.
Cone-rod dystrophy 2 (CORD2). Also called: CONE-ROD RETINAL DYSTROPHY; Cone-rod retinal dystrophy 2. Identifiers: Orphanet 1872, MedGen C3489532, MONDO:0007362, OMIM 120970.

Submission:

Labcorp Genetics (formerly Invitae), Labcorp
Classification: Uncertain significance for Cone-rod dystrophy 2; Leber congenital amaurosis 7. Last evaluated: 2020-01-07. Review status: criteria provided, single submitter. Criteria: Invitae Variant Classification Sherloc (09022015). Collection method: clinical testing. Allele origin: germline.
Comment: A gross deletion of the genomic region encompassing the full coding sequence of the CRX gene has been identified. The boundaries of this event are unknown as the deletion extends beyond the assayed region for this gene and therefore may encompass additional genes. Isolated whole-gene deletions of CRX have not been reported in the literature. However, larger copy number events that include this gene have been reported (PMID: 30557390). The current clinical and genetic evidence is not sufficient to establish whether loss-of-function variants in CRX cause disease. In summary, the available evidence is currently insufficient to determine the role of this variant in disease. Therefore, it has been classified as a Variant of Uncertain Significance.

Literature cited by the submitters: PubMed 30557390.